The following is an entry in ClinVar:

ClinVar aggregate classification (germline): Conflicting classifications of pathogenicity. Review status: criteria provided, conflicting classifications (1 of 4 stars). 2 submissions from 2 submitters: Uncertain significance (1); Likely benign (1). Last evaluated 2025-12-04.

Conditions:
Cardiovascular phenotype. Identifiers: MedGen CN230736.
Osteogenesis imperfecta type I (OI1). Also called: OI, TYPE I; OSTEOGENESIS IMPERFECTA TARDA; OSTEOGENESIS IMPERFECTA WITH BLUE SCLERAE; Lobstein's Disease; Osteogenesis imperfecta type 1; Classic Non-deforming Osteogenesis Imperfecta with Blue Sclerae. Identifiers: Orphanet 216796, Orphanet 666, MedGen C0023931, MONDO:0008146, OMIM 166200. Disease mechanism: loss of function.

Allele frequency attached by ClinVar (database versions not stated): gnomAD exomes below 0.00001; TOPMed below 0.00001; gnomAD 0.00002.
gnomAD v4.1: 5 of 1,613,830 alleles (0.00031%); highest among the groups gnomAD compares: African/African-American, 0.0067%; no homozygotes.

Submissions (2):

Ambry Genetics
Classification: Uncertain significance for Cardiovascular phenotype. Last evaluated: 2025-12-04. Review status: criteria provided, single submitter. Criteria: Ambry Variant Classification Scheme 2023. Collection method: clinical testing. Allele origin: germline.
Comment: The p.P895L variant (also known as c.2684C>T), located in coding exon 39 of the COL1A1 gene, results from a C to T substitution at nucleotide position 2684. The proline at codon 895 is replaced by leucine, an amino acid with similar properties. This amino acid position is conserved. In addition, this alteration is predicted to be deleterious by in silico analysis. Based on the available evidence, the clinical significance of this variant remains unclear.

Labcorp Genetics (formerly Invitae), Labcorp
Classification: Likely benign for Osteogenesis imperfecta type I. Last evaluated: 2022-12-02. Review status: criteria provided, single submitter. Criteria: Invitae Variant Classification Sherloc (09022015). Collection method: clinical testing. Allele origin: germline.

NM_000088.4(COL1A1):c.2684C>T (p.Pro895Leu)

Gene: COL1A1 (collagen type I alpha 1 chain; minus strand). Cytogenetic location: 17q21.33.
Variant type: single nucleotide variant.
Coding change: c.2684C>T on transcript NM_000088.4 (MANE Select); coding-DNA position 2684, C replaced by T.
Protein change: p.Pro895Leu; replaces proline 895 with leucine.
Molecular consequence: missense variant.
Genome position (GRCh38, 1-based): chr17:50,189,522, G>A on the plus strand (C>T on the coding strand, the complement: COL1A1 is on the minus strand). VCF-style: chr17-50189522-G-A. GRCh37 (hg19) VCF-style: chr17-48266883-G-A.
Other names: short protein forms P895L.
Identifiers: ClinVar variation 2158679 (VCV002158679.5), dbSNP rs1033263382, ClinGen allele CA291543207.
Genomic context (GRCh38, chr17:50,189,522, plus strand): 5'-GGGCCAGTCTCACCACGGGGACCTTTGCCGCCTTCTTTGCCAGCAGGACCAGGAGGGCCA[G>A]GGGGTCCAGCATTTCCCTGGATGAGGATAGGAGGGGCTGTCAGACTCCAGGGGGCTCTGG-3'
Protein context (NP_000079.2, residues 885-905): PPGPSGNAGP[Pro895Leu]GPPGPAGKEG